The following is an entry in ClinVar:

NM_152419.3(HGSNAT):c.1023C>T (p.Asp341=)

Gene: HGSNAT (heparan-alpha-glucosaminide N-acetyltransferase; plus strand). Cytogenetic location: 8p11.21.
Variant type: single nucleotide variant.
Coding change: c.1023C>T on transcript NM_152419.3 (MANE Select); coding-DNA position 1023, C replaced by T.
Protein change: p.Asp341=; no amino-acid change (aspartic acid 341 retained).
Molecular consequence: synonymous variant.
Genome position (GRCh38, 1-based): chr8:43,182,155, C>T. VCF-style: chr8-43182155-C-T. GRCh37 (hg19) VCF-style: chr8-43037298-C-T.
Other names: c.1023C>T, p.Asp341= (NM_001363227.2); c.831C>T, p.Asp277= (NM_001363228.2); c.159C>T, p.Asp53= (NM_001363229.2).
Identifiers: ClinVar variation 712832 (VCV000712832.12), dbSNP rs772729729, ClinGen allele CA4736733.

ClinVar aggregate classification (germline): Likely benign. Review status: criteria provided, multiple submitters, no conflicts (2 of 4 stars). 4 submissions from 4 submitters: Likely benign (3). 1 of the submissions does not count toward it. Last evaluated 2026-06-01.

Conditions:
Mucopolysaccharidosis, MPS-III-C (MPS3C). Also called: MUCOPOLYSACCHARIDOSIS, TYPE IIIC; mucopolysaccharidosis type 3C; SANFILIPPO SYNDROME C; MPS III C; MPS IIIC (Sanfilippo Syndrome Type C); Mucopolysaccharidosis type IIIC (Sanfilippo C). Identifiers: Orphanet 581, Orphanet 79271, MedGen C0086649, MONDO:0009657, OMIM 252930.
Retinitis pigmentosa 73 (RP73). Identifiers: Orphanet 791, MedGen C4225287, MONDO:0014687, OMIM 616544.
HGSNAT-related disorder. Also called: HGSNAT-related condition.

Allele frequency attached by ClinVar (database versions not stated): ExAC 0.00001; gnomAD exomes 0.00004 and 0.00006; gnomAD 0.00002; TOPMed 0.00003.
gnomAD v4.1: 24 of 1,613,614 alleles (0.0015%); highest among the groups gnomAD compares: Admixed American, 0.038%; no homozygotes.

Submissions (4):

PreventionGenetics, part of Exact Sciences
Classification: Likely benign for HGSNAT-related condition. Last evaluated: 2026-06-01. Review status: criteria provided, single submitter. Criteria: ACMG Guidelines, 2015. Collection method: clinical testing. Allele origin: germline.
Comment: This variant is classified as likely benign based on ACMG/AMP sequence variant interpretation guidelines (Richards et al. 2015 PMID: 25741868, with internal and published modifications).

Labcorp Genetics (formerly Invitae), Labcorp
Classification: Likely benign for Retinitis pigmentosa 73; Mucopolysaccharidosis, MPS-III-C. Last evaluated: 2026-01-28. Review status: criteria provided, single submitter. Criteria: Invitae Variant Classification Sherloc (09022015). Collection method: clinical testing. Allele origin: germline.

Blueprint Genetics
Classification: Likely benign. Last evaluated: 2022-06-17. Review status: criteria provided, single submitter. Criteria: ACMG Guidelines, 2015. Collection method: clinical testing. Allele origin: germline.

Natera, Inc.
Classification: Likely benign for Mucopolysaccharidosis type IIIC. Last evaluated: 2020-04-14. Review status: no assertion criteria provided. Collection method: clinical testing. Allele origin: germline. Not counted in ClinVar's aggregate classification.